The following is an entry in ClinVar:

NM_000268.4(NF2):c.221G>T (p.Trp74Leu)

Gene: NF2 (NF2, moesin-ezrin-radixin like (MERLIN) tumor suppressor; plus strand). Cytogenetic location: 22q12.2.
Variant type: single nucleotide variant.
Coding change: c.221G>T on transcript NM_000268.4 (MANE Select); coding-DNA position 221, G replaced by T.
Protein change: p.Trp74Leu; replaces tryptophan 74 with leucine.
Molecular consequence: missense variant. On other transcripts: 5 prime UTR variant (2), intron variant (6).
Genome position (GRCh38, 1-based): chr22:29,636,857, G>T. VCF-style: chr22-29636857-G-T. GRCh37 (hg19) VCF-style: chr22-30032846-G-T.
Other names: c.107G>T, p.Trp36Leu (NM_001407053.1, NM_001407056.1); c.221G>T, p.Trp74Leu (NM_001407054.1, NM_001407057.1, NM_001407058.1 and 9 more transcripts); c.-420G>T (NM_001407065.1); c.-36G>T (NM_001407067.1); c.115-2233G>T (NM_181828.3, NM_001407055.1); c.115-5345G>T (NM_001407063.1, NM_181830.3, NM_001407064.1 and 1 more transcripts); short protein forms W74L, W36L.
Identifiers: ClinVar variation 3405011 (VCV003405011.1).

ClinVar aggregate classification (germline): Uncertain significance (1 of 4 stars; one submission).

Conditions:
Hereditary cancer-predisposing syndrome. Also called: Neoplastic Syndromes, Hereditary; Tumor predisposition; Hereditary Cancer Syndrome; Hereditary neoplastic syndrome. Identifiers: Orphanet 140162, MedGen C0027672, MeSH D009386, MONDO:0015356.

Submission:

Ambry Genetics
Classification: Uncertain significance for Hereditary cancer-predisposing syndrome. Last evaluated: 2024-10-15. Review status: criteria provided, single submitter. Criteria: Ambry Variant Classification Scheme 2023. Collection method: clinical testing. Allele origin: germline.
Comment: The p.W74L variant (also known as c.221G>T), located in coding exon 2 of the NF2 gene, results from a G to T substitution at nucleotide position 221. The tryptophan at codon 74 is replaced by leucine, an amino acid with similar properties. This amino acid position is conserved. In addition, this alteration is predicted to be deleterious by in silico analysis. Based on the available evidence, the clinical significance of this variant remains unclear.